The following is an entry in ClinVar:

ClinVar aggregate classification (germline): Uncertain significance (1 of 4 stars; one submission).

Conditions:
Polyglandular autoimmune syndrome, type 1 (APS1). Also called: Whitaker syndrome; AUTOIMMUNE POLYENDOCRINE SYNDROME, TYPE I, WITH OR WITHOUT REVERSIBLE METAPHYSEAL DYSPLASIA; APS I; Autoimmune polyendocrinopathy syndrome , type I, with or without reversible metaphyseal dysplasia; HYPOADRENOCORTICISM WITH HYPOPARATHYROIDISM AND SUPERFICIAL MONILIASIS; Autoimmune polyendocrinopathy syndrome, type I. Identifiers: Orphanet 3453, MedGen C0085859, MONDO:0009411, OMIM 240300.

gnomAD v4.1: 1 of 1,558,474 alleles (0.000064%); highest among the groups gnomAD compares: Admixed American, 0.0019%; no homozygotes.

Submission:

Labcorp Genetics (formerly Invitae), Labcorp
Classification: Uncertain significance for Polyglandular autoimmune syndrome, type 1. Last evaluated: 2025-10-27. Review status: criteria provided, single submitter. Criteria: Invitae Variant Classification Sherloc (09022015). Collection method: clinical testing. Allele origin: germline.
Comment: This sequence change replaces lysine, which is basic and polar, with glutamic acid, which is acidic and polar, at codon 164 of the AIRE protein (p.Lys164Glu). The frequency data for this variant in the population databases is considered unreliable, as metrics indicate poor data quality at this position in the gnomAD database. This variant has not been reported in the literature in individuals affected with AIRE-related conditions. An algorithm developed to predict the effect of missense changes on protein structure and function outputs the following: PolyPhen-2: "Possibly Damaging". The glutamic acid amino acid residue is found in multiple mammalian species, which suggests that this missense change does not adversely affect protein function. In summary, the available evidence is currently insufficient to determine the role of this variant in disease. Therefore, it has been classified as a Variant of Uncertain Significance.

NM_000383.4(AIRE):c.490A>G (p.Lys164Glu)

Gene: AIRE (autoimmune regulator; plus strand). Cytogenetic location: 21q22.3.
Variant type: single nucleotide variant.
Coding change: c.490A>G on transcript NM_000383.4 (MANE Select); coding-DNA position 490, A replaced by G.
Protein change: p.Lys164Glu; replaces lysine 164 with glutamic acid.
Molecular consequence: missense variant.
Genome position (GRCh38, 1-based): chr21:44,287,543, A>G. VCF-style: chr21-44287543-A-G. GRCh37 (hg19) VCF-style: chr21-45707426-A-G.
Other names: short protein forms K164E.
Identifiers: ClinVar variation 4739396 (VCV004739396.1).